The following is an entry in ClinVar:

ClinVar aggregate classification (germline): Uncertain significance (1 of 4 stars; one submission).

Conditions:
Alzheimer disease. Also called: Presenile and senile dementia; Alzheimer's disease. Identifiers: Orphanet 1020, MedGen C0002395, MeSH D000544, MONDO:0004975, HP:0002511.

gnomAD v4.1: 1 of 1,613,622 alleles (0.000062%); highest among the groups gnomAD compares: Non-Finnish European, 0.000085%; no homozygotes.

Submission:

Labcorp Genetics (formerly Invitae), Labcorp
Classification: Uncertain significance for Alzheimer disease. Last evaluated: 2025-10-22. Review status: criteria provided, single submitter. Criteria: Invitae Variant Classification Sherloc (09022015). Collection method: clinical testing. Allele origin: germline.
Comment: This sequence change replaces glycine, which is neutral and non-polar, with glutamic acid, which is acidic and polar, at codon 383 of the APP protein (p.Gly383Glu). This variant is not present in population databases (gnomAD no frequency). This variant has not been reported in the literature in individuals affected with APP-related conditions. Invitae Evidence Modeling of protein sequence and biophysical properties (such as structural, functional, and spatial information, amino acid conservation, physicochemical variation, residue mobility, and thermodynamic stability) indicates that this missense variant is not expected to disrupt APP protein function with a negative predictive value of 95%. In summary, the available evidence is currently insufficient to determine the role of this variant in disease. Therefore, it has been classified as a Variant of Uncertain Significance.

NM_000484.4(APP):c.1148G>A (p.Gly383Glu)

Gene: APP (amyloid beta precursor protein; minus strand). Cytogenetic location: 21q21.3.
Variant type: single nucleotide variant.
Coding change: c.1148G>A on transcript NM_000484.4 (MANE Select); coding-DNA position 1148, G replaced by A.
Protein change: p.Gly383Glu; replaces glycine 383 with glutamic acid.
Molecular consequence: missense variant.
Genome position (GRCh38, 1-based): chr21:25,982,420, C>T on the plus strand (G>A on the coding strand, the complement: APP is on the minus strand). VCF-style: chr21-25982420-C-T. GRCh37 (hg19) VCF-style: chr21-27354733-C-T.
Other names: c.1076G>A, p.Gly359Glu (NM_001136016.3); c.755G>A, p.Gly252Glu (NM_001136129.3); c.980G>A, p.Gly327Glu (NM_001136130.3, NM_001385253.1); c.818G>A, p.Gly273Glu (NM_001136131.3); c.1148G>A, p.Gly383Glu (NM_001204301.2); c.1091G>A, p.Gly364Glu (NM_001204302.2, NM_201413.3); c.923G>A, p.Gly308Glu (NM_001204303.2, NM_201414.3); short protein forms G364E, G308E, G327E, G359E, G252E, G273E, G383E.
Identifiers: ClinVar variation 4752771 (VCV004752771.1).
Genomic context (GRCh38, chr21:25,982,420, plus strand): 5'-CGGTGCTTGGCCTCAAGCCTCTCTTTGGCTTTCTGGAAATGGGCATGTTCATTCTCATCC[C>T]CAGGTGTCTCGAGATACTTGTCAACGGCATCAGGGGTACTGGCTGCTGTTGTAGGAACTA-3'
Protein context (NP_000475.1, residues 373-393): DAVDKYLETP[Gly383Glu]DENEHAHFQK